The following is an entry in ClinVar:

NM_022489.4(INF2):c.2578G>A (p.Glu860Lys)

Gene: INF2 (inverted formin 2; plus strand). Cytogenetic location: 14q32.33.
Variant type: single nucleotide variant.
Coding change: c.2578G>A on transcript NM_022489.4 (MANE Select); coding-DNA position 2578, G replaced by A.
Protein change: p.Glu860Lys; replaces glutamic acid 860 with lysine.
Molecular consequence: missense variant.
Genome position (GRCh38, 1-based): chr14:104,712,521, G>A. VCF-style: chr14-104712521-G-A. GRCh37 (hg19) VCF-style: chr14-105178858-G-A.
Other names: c.2578G>A, p.Glu860Lys (NM_001031714.4); short protein forms E860K.
Identifiers: ClinVar variation 970508 (VCV000970508.13), dbSNP rs376094545, ClinGen allele CA7372986.
Genomic context (GRCh38, chr14:104,712,521, plus strand): 5'-GCCAGCTCCAACCTGAAGAAGCTTCTGGAGACCGAGCGGAAGGTGTCTGCCTCCGTGGCC[G>A]AGGTCCAGGAGCAGTACACCGAGCGCCTCCAGGCAAGTGGGCACCTGGGCCTGGGGCTGG-3'
Protein context (NP_071934.3, residues 850-870): TERKVSASVA[Glu860Lys]VQEQYTERLQ

ClinVar aggregate classification (germline): Conflicting classifications of pathogenicity. Review status: criteria provided, conflicting classifications (1 of 4 stars). 4 submissions from 4 submitters: Uncertain significance (3); Likely benign (1). Last evaluated 2025-02-26.

Conditions:
Inborn genetic diseases. Identifiers: MedGen C0950123, MeSH D030342.
Focal segmental glomerulosclerosis 5 (FSGS5). Identifiers: Orphanet 656, MedGen C2750475, MONDO:0013191, OMIM 613237.
Charcot-Marie-Tooth disease dominant intermediate E. Also called: CHARCOT-MARIE-TOOTH NEUROPATHY WITH FOCAL SEGMENTAL GLOMERULONEPHRITIS. Identifiers: Orphanet 93114, MedGen C4302667, MONDO:0013758, OMIM 614455.

Allele frequency attached by ClinVar (database versions not stated): gnomAD 0.00001; gnomAD exomes 0.00001 and 0.00002; TOPMed 0.00001; ExAC 0.00003; ESP Exome Variant Server 0.00008.
gnomAD v4.1: 16 of 1,612,684 alleles (0.00099%); highest among the groups gnomAD compares: Admixed American, 0.0033%; no homozygotes.

Submissions (4):

Labcorp Genetics (formerly Invitae), Labcorp
Classification: Likely benign for Charcot-Marie-Tooth disease dominant intermediate E; Focal segmental glomerulosclerosis 5. Last evaluated: 2025-02-26. Review status: criteria provided, single submitter. Criteria: Invitae Variant Classification Sherloc (09022015). Collection method: clinical testing. Allele origin: germline.

Fulgent Genetics
Classification: Uncertain significance for Focal segmental glomerulosclerosis 5; Charcot-Marie-Tooth disease dominant intermediate E. Last evaluated: 2023-12-29. Review status: criteria provided, single submitter. Criteria: ACMG Guidelines, 2015. Collection method: clinical testing. Allele origin: germline.

Ambry Genetics
Classification: Uncertain significance for Inborn genetic diseases. Last evaluated: 2020-10-21. Review status: criteria provided, single submitter. Criteria: Ambry Variant Classification Scheme 2023. Collection method: clinical testing. Allele origin: germline.
Comment: The p.E860K variant (also known as c.2578G>A), located in coding exon 16 of the INF2 gene, results from a G to A substitution at nucleotide position 2578. The glutamic acid at codon 860 is replaced by lysine, an amino acid with similar properties. This amino acid position is not well conserved in available vertebrate species. In addition, this alteration is predicted to be tolerated by in silico analysis. Since supporting evidence is limited at this time, the clinical significance of this alteration remains unclear.

Breakthrough Genomics
Classification: Uncertain significance. Review status: criteria provided, single submitter. Criteria: ACMG Guidelines, 2015. Collection method: not provided. Allele origin: germline. Inheritance: Autosomal dominant inheritance. Affected: yes.